The following is an entry in ClinVar:

ClinVar aggregate classification (germline): Uncertain significance (1 of 4 stars; one submission).

Submission:

Labcorp Genetics (formerly Invitae), Labcorp
Classification: Uncertain significance. Last evaluated: 2023-12-22. Review status: criteria provided, single submitter. Criteria: Invitae Variant Classification Sherloc (09022015). Collection method: clinical testing. Allele origin: germline.
Comment: This sequence change replaces glutamic acid, which is acidic and polar, with lysine, which is basic and polar, at codon 383 of the POLE2 protein (p.Glu383Lys). This variant is not present in population databases (gnomAD no frequency). This variant has not been reported in the literature in individuals affected with POLE2-related conditions. ClinVar contains an entry for this variant (Variation ID: 1507662). An algorithm developed to predict the effect of missense changes on protein structure and function (PolyPhen-2) suggests that this variant is likely to be tolerated. In summary, the available evidence is currently insufficient to determine the role of this variant in disease. Therefore, it has been classified as a Variant of Uncertain Significance.

NM_002692.4(POLE2):c.1147G>A (p.Glu383Lys)

Gene: POLE2 (DNA polymerase epsilon 2, accessory subunit; minus strand). Cytogenetic location: 14q21.3.
Variant type: single nucleotide variant.
Coding change: c.1147G>A on transcript NM_002692.4 (MANE Select); coding-DNA position 1147, G replaced by A.
Protein change: p.Glu383Lys; replaces glutamic acid 383 with lysine.
Molecular consequence: missense variant.
Genome position (GRCh38, 1-based): chr14:49,654,054, C>T on the plus strand (G>A on the coding strand, the complement: POLE2 is on the minus strand). VCF-style: chr14-49654054-C-T. GRCh37 (hg19) VCF-style: chr14-50120772-C-T.
Other names: c.1069G>A, p.Glu357Lys (NM_001197330.2); c.1147G>A, p.Glu383Lys (NM_001197331.3); c.1144G>A, p.Glu382Lys (NM_001348384.2); c.916G>A, p.Glu306Lys (NM_001348385.2); short protein forms E357K, E306K, E382K, E383K.
Identifiers: ClinVar variation 1507662 (VCV001507662.8), dbSNP rs2139620748, ClinGen allele CA389600397.